The following is an entry in ClinVar:

NM_000268.4(NF2):c.*1618T>C

Gene: NF2 (NF2, moesin-ezrin-radixin like (MERLIN) tumor suppressor; plus strand). Cytogenetic location: 22q12.2.
Variant type: single nucleotide variant.
Coding change: c.*1618T>C on transcript NM_000268.4 (MANE Select); 1618 bases downstream of the stop codon, T replaced by C.
Molecular consequence: 3 prime UTR variant. On other transcripts: non-coding transcript variant (1).
Genome position (GRCh38, 1-based): chr22:29,696,420, T>C. VCF-style: chr22-29696420-T-C. GRCh37 (hg19) VCF-style: chr22-30092409-T-C.
Other names: c.*1678T>C (NM_016418.5, NM_181828.3, NM_181829.3 and 1 more transcripts); c.*1693T>C (NM_181832.3); c.*1618T>C (NM_181833.3).
Identifiers: ClinVar variation 341115 (VCV000341115.36), dbSNP rs184477204, ClinGen allele CA10653311.

ClinVar aggregate classification (germline): Likely benign (1 of 4 stars; one submission).

Allele frequency attached by ClinVar (database versions not stated): gnomAD exomes 0.00043; gnomAD 0.00203 and 0.00213; TOPMed 0.00231; 1000 Genomes Project 30x 0.00359; 1000 Genomes Project 0.00379.
gnomAD v4.1: 336 of 222,710 alleles (0.15%); highest among the groups gnomAD compares: African/African-American, 0.71%; no homozygotes.

Submission:

CeGaT Center for Human Genetics Tuebingen
Classification: Likely benign. Last evaluated: 2022-11-01. Review status: criteria provided, single submitter. Criteria: CeGaT Center For Human Genetics Tuebingen Variant Classification Criteria Version 2. Collection method: clinical testing. Allele origin: germline. Affected: yes. Observed: 2 variant alleles.
Comment: NF2: BS1